The following is an entry in ClinVar:

NM_080473.5(GATA5):c.787G>A (p.Val263Met)

Gene: GATA5 (GATA binding protein 5; minus strand). Cytogenetic location: 20q13.33.
Variant type: single nucleotide variant.
Coding change: c.787G>A on transcript NM_080473.5 (MANE Select); coding-DNA position 787, G replaced by A.
Protein change: p.Val263Met; replaces valine 263 with methionine.
Molecular consequence: missense variant.
Genome position (GRCh38, 1-based): chr20:62,466,464, C>T on the plus strand (G>A on the coding strand, the complement: GATA5 is on the minus strand). VCF-style: chr20-62466464-C-T. GRCh37 (hg19) VCF-style: chr20-61041520-C-T.
Other names: short protein forms V263M.
Identifiers: ClinVar variation 1208828 (VCV001208828.7), dbSNP rs782770542, ClinGen allele CA9946196.
Genomic context (GRCh38, chr20:62,466,464, plus strand): 5'-CTGCCCCGGGGACCACACTCACCCCGTGCAGCTTCATGTAGAGGCCGCAGGCATTGCACA[C>T]GGGCTCCCCCTCCGAGTTCCGCCGCCACAGCGTGGTGTTGGTCGTGTGGCAGTTGGTGCA-3'
Protein context (NP_536721.1, residues 253-273): LWRRNSEGEP[Val263Met]CNACGLYMKL

ClinVar aggregate classification (germline): Conflicting classifications of pathogenicity. Review status: criteria provided, conflicting classifications (1 of 4 stars). 3 submissions from 3 submitters: Uncertain significance (2); Likely benign (1). Last evaluated 2026-07-01.

Allele frequency attached by ClinVar (database versions not stated): TOPMed below 0.00001; gnomAD 0.00001; gnomAD exomes 0.00003.

Submissions (3):

CeGaT Center for Human Genetics Tuebingen
Classification: Likely benign. Last evaluated: 2026-07-01. Review status: criteria provided, single submitter. Criteria: CeGaT Center For Human Genetics Tuebingen Variant Classification Criteria Version 2. Collection method: clinical testing. Allele origin: germline. Affected: yes. Observed: 1 variant allele.
Comment: GATA5: PP3, BS2

Labcorp Genetics (formerly Invitae), Labcorp
Classification: Uncertain significance. Last evaluated: 2026-01-26. Review status: criteria provided, single submitter. Criteria: Invitae Variant Classification Sherloc (09022015). Collection method: clinical testing. Allele origin: germline.
Comment: This sequence change replaces valine, which is neutral and non-polar, with methionine, which is neutral and non-polar, at codon 263 of the GATA5 protein (p.Val263Met). The frequency data for this variant in the population databases is considered unreliable, as metrics indicate poor data quality at this position in the gnomAD database. This variant has not been reported in the literature in individuals affected with GATA5-related conditions. ClinVar contains an entry for this variant (Variation ID: 1208828). Invitae Evidence Modeling of protein sequence and biophysical properties (such as structural, functional, and spatial information, amino acid conservation, physicochemical variation, residue mobility, and thermodynamic stability) indicates that this missense variant is expected to disrupt GATA5 protein function with a positive predictive value of 80%. In summary, the available evidence is currently insufficient to determine the role of this variant in disease. Therefore, it has been classified as a Variant of Uncertain Significance.

GeneDx
Classification: Uncertain significance. Last evaluated: 2019-08-02. Review status: criteria provided, single submitter. Criteria: GeneDx Variant Classification Process June 2021. Collection method: clinical testing. Allele origin: germline. Affected: yes.
Comment: Not observed at a significant frequency in large population cohorts (Lek et al., 2016); In silico analysis, which includes protein predictors and evolutionary conservation, supports a deleterious effect; Has not been previously published as pathogenic or benign to our knowledge